The following is an entry in ClinVar:

ClinVar aggregate classification (germline): Conflicting classifications of pathogenicity. Review status: criteria provided, conflicting classifications (1 of 4 stars). 2 submissions from 2 submitters: Uncertain significance (1); Benign (1). Last evaluated 2026-01-06.

Allele frequency attached by ClinVar (database versions not stated): gnomAD exomes 0.00022; ExAC 0.00041; ESP Exome Variant Server 0.00100; 1000 Genomes Project 30x 0.00203; 1000 Genomes Project 0.00220.
gnomAD v4.1: 325 of 1,578,444 alleles (0.021%); highest among the groups gnomAD compares: African/African-American, 0.42%; 1 homozygote.

Submissions (2):

Women's Health and Genetics/Laboratory Corporation of America, LabCorp
Classification: Benign. Last evaluated: 2026-01-06. Review status: criteria provided, single submitter. Criteria: LabCorp Variant Classification Summary - May 2015. Collection method: clinical testing. Allele origin: germline.
Comment: Variant summary: UCP2 c.*2C>G is located in the untranslated mRNA region downstream of the termination codon. The variant allele was found at a frequency of 0.00022 in 243456 control chromosomes, predominantly at a frequency of 0.0031 within the African or African-American subpopulation in the gnomAD database. The observed variant frequency within African or African-American control individuals in the gnomAD database exceeds the estimated maximal expected allele frequency for disease-causing variants in UCP2. To our knowledge, no occurrence of c.*2C>G in individuals affected with UCP2-related conditions and no experimental evidence demonstrating its impact on protein function have been reported. ClinVar contains an entry for this variant (Variation ID: 1336349). Based on the evidence outlined above, the variant was classified as benign.

Genetic Services Laboratory, University of Chicago
Classification: Uncertain significance. Last evaluated: 2020-06-01. Review status: criteria provided, single submitter. Criteria: ACMG Guidelines, 2015. Collection method: clinical testing. Allele origin: germline. Affected: no.

NM_003355.3(UCP2):c.*2C>G

Gene: UCP2 (uncoupling protein 2; minus strand). Cytogenetic location: 11q13.4.
Variant type: single nucleotide variant.
Coding change: c.*2C>G on transcript NM_003355.3 (MANE Select); 2 bases downstream of the stop codon, C replaced by G.
Molecular consequence: 3 prime UTR variant.
Genome position (GRCh38, 1-based): chr11:73,975,005, G>C on the plus strand (C>G on the coding strand, the complement: UCP2 is on the minus strand). VCF-style: chr11-73975005-G-C. GRCh37 (hg19) VCF-style: chr11-73686050-G-C.
Other names: c.*2C>G (NM_001381943.1, NM_001381944.1, NM_001381945.1 and 4 more transcripts).
Identifiers: ClinVar variation 1336349 (VCV001336349.5), dbSNP rs114649509, ClinGen allele CA6180983.